The following continues an entry in ClinVar:

NM_000520.6(HEXA):c.1274_1277dup (p.Tyr427fs)

Gene: HEXA. ClinVar aggregate classification (germline): Pathogenic. Pathogenic (38).

Submissions 11 to 25 of 45:

ARUP Laboratories, Molecular Genetics and Genomics, ARUP Laboratories
Classification: Pathogenic. Last evaluated: 2025-02-10. Review status: criteria provided, single submitter. Criteria: ARUP Molecular Germline Variant Investigation Process 2024. Collection method: clinical testing. Allele origin: germline.
Comment: The HEXA c.1274_1277dup; p.Tyr427IlefsTer5 variant (rs387906309) is reported in the literature in the homozygous or compound heterozygous state in individuals affected with early-onset Tay-Sachs disease and is one of the most common pathogenic HEXA variants found in the Ashkenazi Jewish population (Bell 2011, Lazarin 2013, Myerowitz 1988, Paw 1990, Posey 2017, Toro 2020, Vissers 2017, Zeesman 2015). This variant is reported in ClinVar (Variation ID: 3889) and is found in the Ashkenazi Jewish population with an allele frequency of 1.3% (134/10,370 alleles) in the Genome Aggregation Database (v2.1.1). This variant causes a frameshift by inserting four nucleotides, so it is predicted to result in a truncated protein or mRNA subject to nonsense-mediated decay and is associated with the absence of protein in patient cells (Myerowitz 1988). Based on available information, the p.Tyr427IlefsTer5 variant is considered to be pathogenic. References: Bell CJ et al. Carrier testing for severe childhood recessive diseases by next-generation sequencing. Sci Transl Med. 2011 Jan 12;3(65):65ra4. PMID: 21228398. Lazarin GA et al. An empirical estimate of carrier frequencies for 400+ causal Mendelian variants: results from an ethnically diverse clinical sample of 23,453 individuals. Genet Med. 2013 Mar;15(3):178-86. PMID: 22975760. Myerowitz R and Costigan FC. The major defect in Ashkenazi Jews with Tay-Sachs disease is an insertion in the gene for the alpha-chain of beta-hexosaminidase. J Biol Chem. 1988 Dec 15;263(35):18587-9. PMID: 2848800. Paw BH et al. Frequency of three Hex A mutant alleles among Jewish and non-Jewish carriers identified in a Tay-Sachs screening program. Am J Hum Genet. 1990 Oct;47(4):698-705. PMID: 2220809. Posey JE et al. Resolution of Disease Phenotypes Resulting from Multilocus Genomic Variation. N Engl J Med. 2017 Jan 5;376(1):21-31. PMID: 27959697. Toro C et al. HEXA Disorders. GeneReviews. 2020. PMID: 20301397. Vissers LELM et al. A clinical utility study of exome sequencing versus conventional genetic testing in pediatric neurology. Genet Med. 2017 Sep;19(9):1055-1063. PMID: 28333917. Zeesman S et al. Prader-Willi syndrome and Tay-Sachs disease in association with mixed maternal uniparental isodisomy and heterodisomy 15 in a girl who also had isochromosome Xq. Am J Med Genet A. 2015 Jan;167A(1):180-4. PMID: 25287655.

Mayo Clinic Laboratories, Mayo Clinic
Classification: Pathogenic. Last evaluated: 2024-10-01. Review status: criteria provided, single submitter. Criteria: ACMG Guidelines, 2015. Collection method: clinical testing. Allele origin: germline. Observed: 8 variant alleles.

Blueprint Genetics
Classification: Pathogenic for HEXA-related disorders. Last evaluated: 2024-09-13. Review status: criteria provided, single submitter. Criteria: ACMG Guidelines, 2015. Collection method: clinical testing. Allele origin: germline. Affected: yes. Observed: 5 variant alleles.

Quest Diagnostics Nichols Institute San Juan Capistrano
Classification: Pathogenic. Last evaluated: 2024-02-14. Review status: criteria provided, single submitter. Criteria: Quest Diagnostics criteria. Collection method: clinical testing. Allele origin: unknown.
Comment: The HEXA c.1274_1277dup (p.Tyr427Ilefs*5) variant alters the translational reading frame of the HEXA mRNA and causes the premature termination of HEXA protein synthesis. This variant has been described in the published literature as a common pathogenic variant in the Ashkenazi Jewish population (PMIDs: 14727180 (2004), 8230592 (1993), 2848800 (1988)). It has been reported in homozygous individuals with severe infantile Tay-Sachs disease (TSD) (PMIDs: 34554397 (2021), 33083013 (2020)27896118 (2014)), as well as in compound heterozygous individuals with additional pathogenic HEXA variants in juvenile TSD (PMID: 33240792 (2020)) and late onset TSD (PMID: 35848209 (2022), 31076878 (2019), 27033294 (2016)). Functional studies have shown nonsense mediated decay as the disease mechanism for the variant (PMID: 114638363 (2001)), resulting in little to no enzyme activity (PMIDs: 27896118 (2014), 2848800 (1988)). Based on the available information, this variant is classified as pathogenic.

Revvity Omics, Revvity
Classification: Pathogenic for Tay-Sachs disease. Last evaluated: 2024-01-25. Review status: criteria provided, single submitter. Criteria: ACMG Guidelines, 2015. Collection method: clinical testing. Allele origin: germline.

Institute of Human Genetics, University of Leipzig Medical Center
Classification: Pathogenic for Tay-Sachs disease. Last evaluated: 2024-01-02. Review status: criteria provided, single submitter. Criteria: ACMG Guidelines, 2015. Collection method: clinical testing. Allele origin: unknown. Inheritance: Autosomal recessive inheritance. Affected: yes.
Comment: Criteria applied: PVS1,PM3_VSTR,PM2_SUP

Neuberg Centre For Genomic Medicine, NCGM
Classification: Pathogenic for Tay-Sachs disease. Last evaluated: 2023-05-20. Review status: criteria provided, single submitter. Criteria: ACMG Guidelines, 2015. Collection method: clinical testing. Allele origin: germline. Inheritance: Autosomal recessive inheritance. Affected: yes.
Comment: The frameshift c.1274_1277dup (p.Tyr427IlefsTer5) variant in the HEXA gene has been observed in individuals with Tay-Sachs disease (Vallance, Hilary et al.,2006). This variant is also known as c.1277_1278insTATC. It is commonly reported in individuals of Ashkenazi Jewish ancestry (Lazarin, Gabriel A et al.,2013). The p.Tyr427IlefsTer5 variant has been reported with allele frequency of 0.07% in gnomAD Exomes. This variant has been reported to the ClinVar database as Pathogenic (multiple submissions). This variant causes a frameshift starting with codon Tyrosine 427, changes this amino acid to Isoleucine residue, and creates a premature Stop codon at position 5 of the new reading frame, denoted p.Tyr427IlefsTer5. This variant is predicted to cause loss of normal protein function through protein truncation. Loss of function variants have been previously reported to be disease causing. For these reasons, this variant has been classified as Pathogenic. Enzyme analysis is recommended.

Department of Pathology and Laboratory Medicine, Sinai Health System
Classification: Pathogenic for Tay-Sachs disease. Last evaluated: 2023-04-25. Review status: criteria provided, single submitter. Criteria: ACMG Guidelines, 2015. Collection method: research. Allele origin: germline.

Institute of Human Genetics, Clinical Exome/Genome Diagnostics Group, University Hospital Bonn
Classification: Pathogenic for Tay-Sachs disease. Last evaluated: 2023-03-29. Review status: criteria provided, single submitter. Criteria: ACMG Guidelines, 2015. Collection method: clinical testing. Allele origin: germline. Affected: yes.

Daryl Scott Lab, Baylor College of Medicine
Classification: Pathogenic for Tay-Sachs disease. Last evaluated: 2022-08-22. Review status: criteria provided, single submitter. Criteria: ACMG Guidelines, 2015. Collection method: clinical testing. Allele origin: maternal. Observed: 1 variant allele, 1 heterozygote.

Centre of Medical Genetics, University Hospital Muenster
Classification: Pathogenic for Tay-Sachs disease. Last evaluated: 2022-05-30. Review status: criteria provided, single submitter. Criteria: ACMG Guidelines, 2015. Collection method: clinical testing. Allele origin: unknown. Affected: no. Observed: 1 variant allele, 1 heterozygote.
Comment: ACMG categories: PVS1,PS4,PP5,BS1

Baylor Genetics
Classification: Pathogenic for Tay-Sachs disease. Last evaluated: 2022-05-27. Review status: criteria provided, single submitter. Criteria: ACMG Guidelines, 2015. Collection method: clinical testing. Allele origin: unknown.

Victorian Clinical Genetics Services, Murdoch Childrens Research Institute
Classification: Pathogenic for Tay-Sachs disease. Last evaluated: 2022-03-31. Review status: criteria provided, single submitter. Criteria: ACMG Guidelines, 2015. Collection method: clinical testing. Allele origin: germline. Inheritance: Autosomal recessive inheritance.
Comment: Based on the classification scheme VCGS_Germline_v1.3.4, this variant is classified as Pathogenic. Following criteria are met: 0102 - Loss of function is a known mechanism of disease in this gene and is associated with Tay-Sachs disease (MIM#272800). (I) 0106 - This gene is associated with autosomal recessive disease. (I) 0201 - Variant is predicted to cause nonsense-mediated decay (NMD) and loss of protein (premature termination codon is located at least 54 nucleotides upstream of the final exon-exon junction). (SP) 0251 - This variant is heterozygous. (I) 0305 - Variant is present in gnomAD (v2) >=0.01 and <0.03 for a recessive condition (210 heterozygotes, 0 homozygotes). (I) 0701 - Other NMD-predicted variants comparable to the one identified in this case have very strong previous evidence for pathogenicity. These variants have been reported many times as pathogenic (DECIPHER). (SP) 0801 - This variant has strong previous evidence of pathogenicity in unrelated individuals. It is one of the most common variants to cause Tay-Sachs disease in the Ashkenazi Jewish population (ClinVar). (SP) 1208 - Inheritance information for this variant is not currently available in this individual. (I) Legend: (SP) - Supporting pathogenic, (I) - Information, (SB) - Supporting benign

Ambry Genetics
Classification: Pathogenic for Inborn genetic diseases. Last evaluated: 2021-12-27. Review status: criteria provided, single submitter. Criteria: Ambry Variant Classification Scheme 2023. Collection method: clinical testing. Allele origin: germline.
Comment: The c.1274_1277dupTATC (p.Y427Ifs*5) alteration, located in coding exon 11 of the HEXA gene, consists of a duplication of TATC at position 1274, causing a translational frameshift with a predicted alternate stop codon after 5 amino acids. This alteration is expected to result in loss of function by premature protein truncation or nonsense-mediated mRNA decay. Based on data from gnomAD, this allele has an overall frequency of 0.07% (210/282850) total alleles studied. The highest observed frequency was 1.29% (134/10370) of Ashkenazi Jewish alleles. This mutation is the most common Tay-Sachs disease alteration found in the Ashkenazi Jewish population (Myerowitz, 1988) and has been shown to account for approximately 80% of all mutant HEXA Ashkenazi Jewish alleles (Kaback, 1993; Scott, 2010). Based on the available evidence, this alteration is classified as pathogenic.

MGZ Medical Genetics Center
Classification: Pathogenic for Tay-Sachs disease. Last evaluated: 2021-12-03. Review status: criteria provided, single submitter. Criteria: ACMG Guidelines, 2015. Collection method: clinical testing. Allele origin: germline. Affected: yes. Observed: 1 variant allele.
Comment: ACMG criteria applied: PVS1, PM3, PM2_SUP